The following is an entry in ClinVar:

ClinVar aggregate classification (germline): Benign. Review status: criteria provided, multiple submitters, no conflicts (2 of 4 stars). 6 submissions from 6 submitters: Benign (6). Last evaluated 2026-02-04.

Conditions:
FLNB-Related Spectrum Disorders.

Allele frequency attached by ClinVar (database versions not stated): 1000 Genomes Project 30x 0.05637; 1000 Genomes Project 0.05891; TOPMed 0.08276; gnomAD 0.08792 and 0.09018; gnomAD exomes 0.08911 and 0.10443; ExAC 0.08981; ESP Exome Variant Server 0.09511.
gnomAD v4.1: 165,037 of 1,612,022 alleles (10%); highest among the groups gnomAD compares: Non-Finnish European, 11%; 9,323 homozygotes.

Submissions (6):

Labcorp Genetics (formerly Invitae), Labcorp
Classification: Benign. Last evaluated: 2026-02-04. Review status: criteria provided, single submitter. Criteria: Invitae Variant Classification Sherloc (09022015). Collection method: clinical testing. Allele origin: germline.

Blueprint Genetics
Classification: Benign. Last evaluated: 2024-11-26. Review status: criteria provided, single submitter. Criteria: ACMG Guidelines, 2015. Collection method: clinical testing. Allele origin: germline.

Illumina Laboratory Services, Illumina
Classification: Benign for FLNB-Related Spectrum Disorders. Last evaluated: 2018-01-13. Review status: criteria provided, single submitter. Criteria: ICSL Variant Classification Criteria 13 December 2019. Collection method: clinical testing. Allele origin: germline.
Comment: This variant was observed in the ICSL laboratory as part of a predisposition screen in an ostensibly healthy population. It had not been previously curated by ICSL or reported in the Human Gene Mutation Database (HGMD: prior to June 1st, 2018), and was therefore a candidate for classification through an automated scoring system. Utilizing variant allele frequency, disease prevalence and penetrance estimates, and inheritance mode, an automated score was calculated to assess if this variant is too frequent to cause the disease. Based on the score and internal cut-off values, a variant classified as benign is not then subjected to further curation. The score for this variant resulted in a classification of benign for this disease.

GeneDx
Classification: Benign. Last evaluated: 2016-03-03. Review status: criteria provided, single submitter. Criteria: GeneDx Variant Classification (06012015). Collection method: clinical testing. Allele origin: germline. Affected: yes.
Comment: This variant is considered likely benign or benign based on one or more of the following criteria: it is a conservative change, it occurs at a poorly conserved position in the protein, it is predicted to be benign by multiple in silico algorithms, and/or has population frequency not consistent with disease.

Breakthrough Genomics
Classification: Benign. Review status: criteria provided, single submitter. Criteria: ACMG Guidelines, 2015. Collection method: not provided. Allele origin: germline. Inheritance: Autosomal recessive inheritance. Affected: yes.

PreventionGenetics, part of Exact Sciences
Classification: Benign. Review status: criteria provided, single submitter. Criteria: ACMG Guidelines, 2015. Collection method: clinical testing. Allele origin: germline.

NM_001457.4(FLNB):c.7209G>A (p.Ser2403=)

Genes: FLNB (filamin B; plus strand), FLNB-AS1 (FLNB antisense RNA 1; minus strand). Cytogenetic location: 3p14.3.
Variant type: single nucleotide variant.
Coding change: c.7209G>A on transcript NM_001457.4 (MANE Select); coding-DNA position 7209, G replaced by A.
Protein change: p.Ser2403=; no amino-acid change (serine 2403 retained).
Molecular consequence: synonymous variant.
Genome position (GRCh38, 1-based): chr3:58,168,450, G>A. VCF-style: chr3-58168450-G-A. GRCh37 (hg19) VCF-style: chr3-58154177-G-A.
Other names: c.7302G>A, p.Ser2434= (NM_001164317.2); c.7176G>A, p.Ser2392= (NM_001164318.2); c.7137G>A, p.Ser2379= (NM_001164319.2).
Identifiers: ClinVar variation 258121 (VCV000258121.15), dbSNP rs13079906, ClinGen allele CA2469638.